The following is an entry in ClinVar:

ClinVar aggregate classification (germline): Uncertain significance (1 of 4 stars; one submission).

Submission:

GeneDx
Classification: Uncertain significance. Last evaluated: 2022-10-31. Review status: criteria provided, single submitter. Criteria: GeneDx Variant Classification Process June 2021. Collection method: clinical testing. Allele origin: germline. Affected: yes.
Comment: Not observed at significant frequency in large population cohorts (gnomAD); In silico analysis supports that this missense variant has a deleterious effect on protein structure/function; Has not been previously published as pathogenic or benign to our knowledge; This variant is associated with the following publications: (PMID: 26986877)

NM_005654.6(NR2F1):c.395A>G (p.Gln132Arg)

Genes: NR2F1 (nuclear receptor subfamily 2 group F member 1; plus strand), NR2F1-AS1 (NR2F1 regulatory antisense RNA 1; minus strand). Cytogenetic location: 5q15.
Variant type: single nucleotide variant.
Coding change: c.395A>G on transcript NM_005654.6 (MANE Select); coding-DNA position 395, A replaced by G.
Protein change: p.Gln132Arg; replaces glutamine 132 with arginine.
Molecular consequence: missense variant.
Genome position (GRCh38, 1-based): chr5:93,585,418, A>G. VCF-style: chr5-93585418-A-G. GRCh37 (hg19) VCF-style: chr5-92921124-A-G.
Other names: short protein forms Q132R.
Identifiers: ClinVar variation 2500376 (VCV002500376.1), dbSNP rs2480802396, ClinGen allele CA360526189.
Genomic context (GRCh38, chr5:93,585,418, plus strand): 5'-GGAGCGTCCGCAGGAACTTAACTTACACATGCCGTGCCAACAGGAACTGTCCCATCGACC[A>G]GCACCACCGCAACCAGTGCCAATACTGCCGCCTCAAGAAGTGCCTCAAAGTGGGCATGAG-3'
Protein context (NP_005645.1, residues 122-142): CRANRNCPID[Gln132Arg]HHRNQCQYCR